The following is an entry in ClinVar:

NM_144772.3(NAXE):c.257T>C (p.Leu86Pro)

Gene: NAXE (NAD(P)HX epimerase; plus strand). Cytogenetic location: 1q22.
Variant type: single nucleotide variant.
Coding change: c.257T>C on transcript NM_144772.3 (MANE Select); coding-DNA position 257, T replaced by C.
Protein change: p.Leu86Pro; replaces leucine 86 with proline.
Molecular consequence: missense variant.
Genome position (GRCh38, 1-based): chr1:156,592,175, T>C. VCF-style: chr1-156592175-T-C. GRCh37 (hg19) VCF-style: chr1-156561967-T-C.
Other names: short protein forms L86P.
Identifiers: ClinVar variation 1193587 (VCV001193587.9), dbSNP rs773703382, ClinGen allele CA1162698.

ClinVar aggregate classification (germline): Uncertain significance. Review status: criteria provided, multiple submitters, no conflicts (2 of 4 stars). 3 submissions from 3 submitters: Uncertain significance (3). Last evaluated 2026-08-05.

Conditions:
Inborn genetic diseases. Identifiers: MedGen C0950123, MeSH D030342.

Allele frequency attached by ClinVar (database versions not stated): gnomAD 0.00001; gnomAD exomes 0.00001 and 0.00002; TOPMed 0.00002; ExAC 0.00001.

Submissions (3):

GeneDx
Classification: Uncertain significance. Last evaluated: 2026-08-05. Review status: criteria provided, single submitter. Criteria: GeneDx Variant Classification Process June 2021. Collection method: clinical testing. Allele origin: germline.
Comment: Not observed at significant frequency in large population cohorts (gnomAD); In silico analysis supports that this missense variant has a deleterious effect on protein structure/function; Has not been previously published as pathogenic or benign to our knowledge

Labcorp Genetics (formerly Invitae), Labcorp
Classification: Uncertain significance. Last evaluated: 2022-06-25. Review status: criteria provided, single submitter. Criteria: Invitae Variant Classification Sherloc (09022015). Collection method: clinical testing. Allele origin: germline.
Comment: In summary, the available evidence is currently insufficient to determine the role of this variant in disease. Therefore, it has been classified as a Variant of Uncertain Significance. Algorithms developed to predict the effect of missense changes on protein structure and function are either unavailable or do not agree on the potential impact of this missense change (SIFT: "Deleterious"; PolyPhen-2: "Probably Damaging"; Align-GVGD: "Class C0"). ClinVar contains an entry for this variant (Variation ID: 1193587). This variant has not been reported in the literature in individuals affected with NAXE-related conditions. This variant is present in population databases (rs773703382, gnomAD 0.002%). This sequence change replaces leucine, which is neutral and non-polar, with proline, which is neutral and non-polar, at codon 86 of the NAXE protein (p.Leu86Pro).

Ambry Genetics
Classification: Uncertain significance for Inborn genetic diseases. Last evaluated: 2021-05-16. Review status: criteria provided, single submitter. Criteria: Ambry Variant Classification Scheme 2023. Collection method: clinical testing. Allele origin: germline.